The following is an entry in ClinVar:

NM_000492.4(CFTR):c.2700T>A (p.Asn900Lys)

Gene: CFTR (CF transmembrane conductance regulator; plus strand). Cytogenetic location: 7q31.2.
Variant type: single nucleotide variant.
Coding change: c.2700T>A on transcript NM_000492.4 (MANE Select); coding-DNA position 2700, T replaced by A.
Protein change: p.Asn900Lys; replaces asparagine 900 with lysine.
Molecular consequence: missense variant.
Genome position (GRCh38, 1-based): chr7:117,603,574, T>A. VCF-style: chr7-117603574-T-A. GRCh37 (hg19) VCF-style: chr7-117243628-T-A.
Other names: short protein forms N900K.
Identifiers: ClinVar variation 161997 (VCV000161997.3), dbSNP rs672601315, ClinGen allele CA273030.
Genomic context (GRCh38, chr7:117,603,574, plus strand): 5'-TTCCTATTTGCTTTACAGCACTCCTCTTCAAGACAAAGGGAATAGTACTCATAGTAGAAA[T>A]AACAGCTATGCAGTGATTATCACCAGCACCAGTTCGTATTATGTGTTTTACATTTACGTG-3'
Protein context (NP_000483.3, residues 890-910): QDKGNSTHSR[Asn900Lys]NSYAVIITST

ClinVar aggregate classification (germline): Uncertain significance. Review status: criteria provided, single submitter (1 of 4 stars). 2 submissions from 2 submitters: Uncertain significance (1). 1 of the submissions does not count toward it. Last evaluated 2021-08-25.

Conditions:
Cystic fibrosis (CF). Also called: MUCOVISCIDOSIS. Identifiers: Orphanet 586, MedGen C0010674, MONDO:0009061, OMIM 219700. Disease mechanism: loss of function.

Allele frequency attached by ClinVar (database versions not stated): gnomAD exomes below 0.00001.
gnomAD v4.1: 3 of 1,613,992 alleles (0.00019%); highest among the groups gnomAD compares: Non-Finnish European, 0.00017%; no homozygotes.

Submissions (2):

Blueprint Genetics
Classification: Uncertain significance. Last evaluated: 2021-08-25. Review status: criteria provided, single submitter. Criteria: ACMG Guidelines, 2015. Collection method: clinical testing. Allele origin: germline.

Unidad de Estudios Geneticos y Forenses, Instituto Venezolano de Investigaciones Cientificas
Classification: Pathogenic for Cystic fibrosis. Last evaluated: 2013-10-01. Review status: no assertion criteria provided. Collection method: research. Allele origin: unknown. Affected: yes. Observed: 1 variant allele. Study: CFTR variants in Venezuelan CF patients. Not counted in ClinVar's aggregate classification.
Comment: Identification of cystic fibrosis-causing mutations in the CFTR gene for use in screening of a Venezuelan population